The following is an entry in ClinVar:

ClinVar aggregate classification (germline): Pathogenic/Likely pathogenic. Review status: criteria provided, multiple submitters, no conflicts (2 of 4 stars). 10 submissions from 10 submitters: Pathogenic (4); Likely pathogenic (3). 3 of the submissions do not count toward it. Last evaluated 2026-07-08.

Conditions:
Meckel syndrome, type 1 (MKS1). Also called: MECKEL-GRUBER SYNDROME, TYPE 1. Identifiers: Orphanet 564, MedGen C3714506, MONDO:0009571, OMIM 249000.
Bardet-Biedl syndrome 13 (BBS13). Identifiers: Orphanet 110, MedGen C2673873, MONDO:0014441, OMIM 615990.
Joubert syndrome 28 (JBTS28). Identifiers: MedGen C4310705, MONDO:0014928, OMIM 617121.
MKS1-related disorder. Also called: MKS1-related condition; MKS1-related disorders. Identifiers: MedGen CN239382.
Joubert syndrome. Also called: Familial aplasia of the vermis; JOUBERT-BOLTSHAUSER SYNDROME. Identifiers: Orphanet 475, MedGen C5979921, MONDO:0018772.
Meckel-Gruber syndrome. Also called: Dysencephalia splachnocystica; DYSENCEPHALIA SPLANCHNOCYSTICA; GRUBER SYNDROME. Identifiers: Orphanet 564, MedGen C0265215, MONDO:0018921.

Allele frequency attached by ClinVar (database versions not stated): gnomAD 0.00002; TOPMed 0.00002; ExAC 0.00006; gnomAD exomes 0.00006; 1000 Genomes Project 30x 0.00016; 1000 Genomes Project 0.00020.
gnomAD v4.1: 58 of 1,612,798 alleles (0.0036%); highest among the groups gnomAD compares: Admixed American, 0.0083%; no homozygotes.

Submissions (10):

PreventionGenetics, part of Exact Sciences
Classification: Pathogenic for MKS1-related condition. Last evaluated: 2026-07-08. Review status: criteria provided, single submitter. Criteria: ACMG Guidelines, 2015. Collection method: clinical testing. Allele origin: germline.
Comment: The MKS1 c.1024+1G>A variant is predicted to disrupt the GT donor site and interfere with normal splicing. This variant has been reported in the compound heterozygous state in an individual with Meckel syndrome (reported as IVS11 + 1G>A in Consugar et al. 2007. PubMed ID: 17377820). This variant is reported in 0.014% of alleles in individuals of Latino descent in gnomAD. Variants that disrupt the consensus splice donor site in MKS1 are expected to be pathogenic. This variant is interpreted as pathogenic.

Labcorp Genetics (formerly Invitae), Labcorp
Classification: Pathogenic for Joubert syndrome; Meckel-Gruber syndrome. Last evaluated: 2026-01-05. Review status: criteria provided, single submitter. Criteria: Invitae Variant Classification Sherloc (09022015). Collection method: clinical testing. Allele origin: germline.
Comment: This sequence change affects a donor splice site in intron 11 of the MKS1 gene. It is expected to disrupt RNA splicing. Variants that disrupt the donor or acceptor splice site typically lead to a loss of protein function (PMID: 16199547), and loss-of-function variants in MKS1 are known to be pathogenic (PMID: 19466712, 24886560, 26490104). This variant is present in population databases (rs199874059, gnomAD 0.01%). Disruption of this splice site has been observed in individual(s) with Meckel-Gruber syndrome (PMID: 17377820). In at least one individual the data is consistent with being in trans (on the opposite chromosome) from a pathogenic variant. This variant is also known as IVS11+1G>A. ClinVar contains an entry for this variant (Variation ID: 1391). Algorithms developed to predict the effect of sequence changes on RNA splicing suggest that this variant may disrupt the consensus splice site. For these reasons, this variant has been classified as Pathogenic.

Natera, Inc.
Classification: Pathogenic for Meckel syndrome type 1. Last evaluated: 2025-09-15. Review status: criteria provided, single submitter. Criteria: Natera Variant Classification Schema (03/2026). Collection method: clinical testing. Allele origin: germline.
Comment: The c.1024+1G>A variant in MKS1 is a canonical splice donor site variant predicted to affect pre-mRNA splicing, which may result in an abnormal transcript and altered protein product. This variant may result in a truncated or dysfunctional protein product. This variant is rare in the general population with a frequency below the threshold expected for the associated phenotype(s). This variant has been observed in one or more individuals affected with the associated recessive disease, as either homozygous or compound heterozygous with a second variant (PMID: 36788019, 17377820). Another variant at this same site results in an alteration predicted to cause a similar molecular effect has been observed in individual(s) with the associated phenotype. Given the available evidence, this variant is classified as Pathogenic.

Baylor Genetics
Classification: Pathogenic for Bardet-Biedl syndrome 13. Last evaluated: 2024-03-06. Review status: criteria provided, single submitter. Criteria: ACMG Guidelines, 2015. Collection method: clinical testing. Allele origin: unknown.

Blueprint Genetics
Classification: Likely pathogenic for MKS1-related disorders. Last evaluated: 2023-04-25. Review status: criteria provided, single submitter. Criteria: ACMG Guidelines, 2015. Collection method: clinical testing. Allele origin: germline. Affected: yes. Observed: 4 variant alleles.

Revvity Omics, Revvity
Classification: Likely pathogenic. Last evaluated: 2022-06-17. Review status: criteria provided, single submitter. Criteria: ACMG Guidelines, 2015. Collection method: clinical testing. Allele origin: germline.

GeneDx
Classification: Likely pathogenic. Last evaluated: 2021-04-08. Review status: criteria provided, single submitter. Criteria: GeneDx Variant Classification Process June 2021. Collection method: clinical testing. Allele origin: germline. Affected: yes.
Comment: Canonical splice site variant expected to result in aberrant splicing, although in the absence of functional evidence the actual effect of this sequence change is unknown.; Not observed at a significant frequency in large population cohorts (Lek et al., 2016); This variant is associated with the following publications: (PMID: 17377820, 25525159)

Counsyl
Classification: Likely pathogenic for Meckel syndrome, type 1; Bardet-Biedl syndrome 13; Joubert syndrome 28. Last evaluated: 2017-07-07. Review status: no assertion criteria provided. Collection method: clinical testing. Allele origin: unknown. Not counted in ClinVar's aggregate classification.

OMIM
Classification: Pathogenic for MECKEL SYNDROME, TYPE 1. Last evaluated: 2007-06-01. Review status: no assertion criteria provided. Collection method: literature only. Allele origin: germline. Not counted in ClinVar's aggregate classification.

Juha Muilu Group; Institute for Molecular Medicine Finland (FIMM)
Classification: Likely pathogenic for Meckel syndrome type1. Review status: no assertion criteria provided. Collection method: not provided. Allele origin: unknown. Not counted in ClinVar's aggregate classification.
Comment: FinDis database variant: This variant was not found or characterized by our laboratory, data were collected from public sources: see reference
ClinVar note: Converted during submission from probable-pathogenic to Likely pathogenic.

Literature cited by the submitters: PubMed 16199547 (cited by Labcorp Genetics (formerly Invitae), Labcorp); PubMed 19466712 (cited by Labcorp Genetics (formerly Invitae), Labcorp); PubMed 24886560 (cited by Labcorp Genetics (formerly Invitae), Labcorp); PubMed 26490104 (cited by Labcorp Genetics (formerly Invitae), Labcorp); PubMed 17377820 (cited by 4 submitters); PubMed 36788019 (cited by Natera, Inc.).

NM_017777.4(MKS1):c.1024+1G>A

Gene: MKS1 (MKS transition zone complex subunit 1; minus strand). Cytogenetic location: 17q22.
Variant type: single nucleotide variant.
Coding change: c.1024+1G>A on transcript NM_017777.4 (MANE Select); the canonical splice donor site of the intron after coding-DNA position 1024, G replaced by A.
Molecular consequence: splice donor variant.
Genome position (GRCh38, 1-based): chr17:58,210,658, C>T on the plus strand (G>A on the coding strand, the complement: MKS1 is on the minus strand). VCF-style: chr17-58210658-C-T. GRCh37 (hg19) VCF-style: chr17-56288019-C-T.
Other names: IVS11DS, G-A, +1; c.415+1G>A (NM_001321268.2); c.1024+1G>A (NM_001330397.2, NM_001321269.2, NM_001411113.1).
Identifiers: ClinVar variation 1391 (VCV000001391.24), dbSNP rs199874059, ClinGen allele CA342696.